The following is an entry in ClinVar:

ClinVar aggregate classification (germline): Uncertain significance (1 of 4 stars; one submission).

Conditions:
Hereditary cancer-predisposing syndrome. Also called: Neoplastic Syndromes, Hereditary; Tumor predisposition; Hereditary Cancer Syndrome; Hereditary neoplastic syndrome. Identifiers: Orphanet 140162, MedGen C0027672, MeSH D009386, MONDO:0015356.

Submission:

Ambry Genetics
Classification: Uncertain significance for Hereditary cancer-predisposing syndrome. Last evaluated: 2026-03-22. Review status: criteria provided, single submitter. Criteria: Ambry Variant Classification Scheme 2023. Collection method: clinical testing. Allele origin: germline.
Comment: The p.A323G variant (also known as c.968C>G), located in coding exon 11 of the BAP1 gene, results from a C to G substitution at nucleotide position 968. The alanine at codon 323 is replaced by glycine, an amino acid with similar properties. This amino acid position is conserved. In addition, this alteration is predicted to be tolerated by in silico analysis. Based on the available evidence, the clinical significance of this variant remains unclear.

NM_004656.4(BAP1):c.968C>G (p.Ala323Gly)

Gene: BAP1 (BRCA1 associated deubiquitinase 1; minus strand). Cytogenetic location: 3p21.1.
Variant type: single nucleotide variant.
Coding change: c.968C>G on transcript NM_004656.4 (MANE Select); coding-DNA position 968, C replaced by G.
Protein change: p.Ala323Gly; replaces alanine 323 with glycine.
Molecular consequence: missense variant.
Genome position (GRCh38, 1-based): chr3:52,405,258, G>C on the plus strand (C>G on the coding strand, the complement: BAP1 is on the minus strand). VCF-style: chr3-52405258-G-C. GRCh37 (hg19) VCF-style: chr3-52439274-G-C.
Other names: c.914C>G, p.Ala305Gly (NM_001410772.1); short protein forms A305G, A323G.
Identifiers: ClinVar variation 4867342 (VCV004867342.1).